The following is an entry in ClinVar:

ClinVar aggregate classification (germline): Uncertain significance. Review status: criteria provided, single submitter (1 of 4 stars). 2 submissions from 2 submitters: Uncertain significance (1). 1 of the submissions does not count toward it. Last evaluated 2024-01-15.

Conditions:
Combined immunodeficiency due to LRBA deficiency. Also called: Common variable immunodeficiency 8, with autoimmunity. Identifiers: Orphanet 445018, MedGen C3553512, MONDO:0013863, OMIM 614700.
LRBA-related disorder. Also called: LRBA-related condition.

gnomAD v4.1: 66 of 1,607,868 alleles (0.0041%); highest among the groups gnomAD compares: Non-Finnish European, 0.0051%; no homozygotes.

Submissions (2):

Labcorp Genetics (formerly Invitae), Labcorp
Classification: Uncertain significance for Combined immunodeficiency due to LRBA deficiency. Last evaluated: 2024-01-15. Review status: criteria provided, single submitter. Criteria: Invitae Variant Classification Sherloc (09022015). Collection method: clinical testing. Allele origin: germline.
Comment: This sequence change replaces leucine, which is neutral and non-polar, with methionine, which is neutral and non-polar, at codon 382 of the LRBA protein (p.Leu382Met). This variant is present in population databases (rs62344598, gnomAD 0.006%). This variant has not been reported in the literature in individuals affected with LRBA-related conditions. ClinVar contains an entry for this variant (Variation ID: 575176). Advanced modeling of protein sequence and biophysical properties (such as structural, functional, and spatial information, amino acid conservation, physicochemical variation, residue mobility, and thermodynamic stability) performed at Invitae indicates that this missense variant is expected to disrupt LRBA protein function with a positive predictive value of 80%. In summary, the available evidence is currently insufficient to determine the role of this variant in disease. Therefore, it has been classified as a Variant of Uncertain Significance.

PreventionGenetics, part of Exact Sciences
Classification: Uncertain significance for LRBA-related condition. Last evaluated: 2024-05-16. Review status: no assertion criteria provided. Collection method: clinical testing. Allele origin: germline. Not counted in ClinVar's aggregate classification.
Comment: The LRBA c.1144T>A variant is predicted to result in the amino acid substitution p.Leu382Met. To our knowledge, this variant has not been reported in the literature. This variant is reported in 0.0062% of alleles in individuals of European (Non-Finnish) descent in gnomAD. At this time, the clinical significance of this variant is uncertain due to the absence of conclusive functional and genetic evidence.

NM_001364905.1(LRBA):c.1144T>A (p.Leu382Met)

Gene: LRBA (LPS responsive beige-like anchor protein; minus strand). Cytogenetic location: 4q31.3.
Variant type: single nucleotide variant.
Coding change: c.1144T>A on transcript NM_001364905.1 (MANE Select); coding-DNA position 1144, T replaced by A.
Protein change: p.Leu382Met; replaces leucine 382 with methionine.
Molecular consequence: missense variant.
Genome position (GRCh38, 1-based): chr4:150,914,212, A>T on the plus strand (T>A on the coding strand, the complement: LRBA is on the minus strand). VCF-style: chr4-150914212-A-T. GRCh37 (hg19) VCF-style: chr4-151835364-A-T.
Other names: c.1144T>A, p.Leu382Met (NM_001199282.3, NM_001367550.1, NM_006726.5); short protein forms L382M.
Identifiers: ClinVar variation 575176 (VCV000575176.7), dbSNP rs62344598, ClinGen allele CA3103666.
Genomic context (GRCh38, chr4:150,914,212, plus strand): 5'-GCTGAACTAACATTGGTTAAGCACAAAACAGTAAGCAAACTACCTTGTATCCCAGGCCCA[A>T]CTGATAAATAGCAAATATCTGAGCTGCATTTAGAGCTTCACTGAAAAGGTAAACTGCAGT-3'
Protein context (NP_001351834.1, residues 372-392): NAAQIFAIYQ[Leu382Met]GLGYKGTFKF